The following is an entry in ClinVar:

ClinVar aggregate classification (germline): Likely pathogenic (1 of 4 stars; one submission).

Conditions:
Arginase deficiency. Also called: ARGININEMIA; ARG1 DEFICIENCY; Arginase 1 Deficiency. Identifiers: Orphanet 90, MedGen C0268548, MONDO:0008814, OMIM 207800.

Submission:

Myriad Genetics, Inc.
Classification: Likely pathogenic for Arginase deficiency. Last evaluated: 2026-06-30. Review status: criteria provided, single submitter. Criteria: Myriad Autosomal Dominant, Autosomal Recessive and X-Linked Classification Criteria (2023). Collection method: clinical testing. Allele origin: unknown.
Comment: NM_000045.3(ARG1):c.560+1G>C is a variant in a canonical splice site classified as likely pathogenic in the context of argininemia. c.560+1G>C has not been observed in cases with relevant disease. Relevant functional assessments of this variant are not available in the literature. c.560+1G>C has not been observed in referenced population frequency databases. In summary, NM_000045.3(ARG1):c.560+1G>C is a variant in a canonical splice site in a gene where loss of function is a known mechanism of disease and is predicted to disrupt protein function. Please note: this variant was assessed in the context of healthy population screening.

NM_000045.4(ARG1):c.560+1G>C

Genes: ARG1 (arginase 1; plus strand), MED23 (mediator complex subunit 23; minus strand). Cytogenetic location: 6q23.2.
Variant type: single nucleotide variant.
Coding change: c.560+1G>C on transcript NM_000045.4 (MANE Select); the canonical splice donor site of the intron after coding-DNA position 560, G replaced by C.
Molecular consequence: splice donor variant. On other transcripts: intron variant (3).
Genome position (GRCh38, 1-based): chr6:131,582,716, G>C. VCF-style: chr6-131582716-G-C. GRCh37 (hg19) VCF-style: chr6-131903856-G-C.
Other names: c.584+1G>C (NM_001244438.2); c.306-344G>C (NM_001369020.1); c.4077+4993C>G (NM_001270521.2); c.4095+4993C>G (NM_015979.4).
Identifiers: ClinVar variation 5003756 (VCV005003756.1).